The following is an entry in ClinVar:

NM_001349253.2(SCN11A):c.4381C>T (p.Leu1461Phe)

Gene: SCN11A (sodium voltage-gated channel alpha subunit 11; minus strand). Cytogenetic location: 3p22.2.
Variant type: single nucleotide variant.
Coding change: c.4381C>T on transcript NM_001349253.2 (MANE Select); coding-DNA position 4381, C replaced by T.
Protein change: p.Leu1461Phe; replaces leucine 1461 with phenylalanine.
Molecular consequence: missense variant.
Genome position (GRCh38, 1-based): chr3:38,847,689, G>A on the plus strand (C>T on the coding strand, the complement: SCN11A is on the minus strand). VCF-style: chr3-38847689-G-A. GRCh37 (hg19) VCF-style: chr3-38889180-G-A.
Other names: c.4381C>T, p.Leu1461Phe (NM_014139.3); short protein forms L1461F.
Identifiers: ClinVar variation 1052637 (VCV001052637.5), dbSNP rs2064698471, ClinGen allele CA352164014.

ClinVar aggregate classification (germline): Uncertain significance (1 of 4 stars; one submission).

Conditions:
Hereditary sensory and autonomic neuropathy type 7. Also called: Neuropathy, hereditary sensory and autonomic, type VII; HSAN VII. Identifiers: Orphanet 391397, MedGen C3809882, MONDO:0014244, OMIM 615548.
Familial episodic pain syndrome with predominantly lower limb involvement. Also called: Episodic pain syndrome, familial, 3. Identifiers: Orphanet 391384, Orphanet 391392, MedGen C3809899, MONDO:0014247, OMIM 615552.

Allele frequency attached by ClinVar (database versions not stated): gnomAD exomes below 0.00001.
gnomAD v4.1: 1 of 1,613,110 alleles (0.000062%); highest among the groups gnomAD compares: African/African-American, 0.0013%; no homozygotes.

Submission:

Labcorp Genetics (formerly Invitae), Labcorp
Classification: Uncertain significance for Familial episodic pain syndrome with predominantly lower limb involvement; Hereditary sensory and autonomic neuropathy type 7. Last evaluated: 2020-03-03. Review status: criteria provided, single submitter. Criteria: Invitae Variant Classification Sherloc (09022015). Collection method: clinical testing. Allele origin: germline.
Comment: In summary, the available evidence is currently insufficient to determine the role of this variant in disease. Therefore, it has been classified as a Variant of Uncertain Significance. Algorithms developed to predict the effect of missense changes on protein structure and function output the following: SIFT: "Deleterious"; PolyPhen-2: "Probably Damaging"; Align-GVGD: "Class C15". The phenylalanine amino acid residue is found in multiple mammalian species, suggesting that this missense change does not adversely affect protein function. These predictions have not been confirmed by published functional studies and their clinical significance is uncertain. This variant has not been reported in the literature in individuals with SCN11A-related conditions. This variant is not present in population databases (ExAC no frequency). This sequence change replaces leucine with phenylalanine at codon 1461 of the SCN11A protein (p.Leu1461Phe). The leucine residue is highly conserved and there is a small physicochemical difference between leucine and phenylalanine.